The following is an entry in ClinVar:

ClinVar aggregate classification (germline): Uncertain significance (1 of 4 stars; one submission).

Conditions:
Inborn genetic diseases. Identifiers: MedGen C0950123, MeSH D030342.

gnomAD v4.1: 2 of 1,605,962 alleles (0.00012%); highest among the groups gnomAD compares: Non-Finnish European, 0.00017%; no homozygotes.

Submission:

Ambry Genetics
Classification: Uncertain significance for Inborn genetic diseases. Last evaluated: 2025-05-25. Review status: criteria provided, single submitter. Criteria: Ambry Variant Classification Scheme 2023. Collection method: clinical testing. Allele origin: germline.
Comment: The p.G322R variant (also known as c.964G>A), located in coding exon 7 of the BMPR2 gene, results from a G to A substitution at nucleotide position 964. The glycine at codon 322 is replaced by arginine, an amino acid with dissimilar properties. This amino acid position is conserved. In addition, this alteration is predicted to be deleterious by in silico analysis. Based on the available evidence, the clinical significance of this variant remains unclear.

NM_001204.7(BMPR2):c.964G>A (p.Gly322Arg)

Gene: BMPR2 (bone morphogenetic protein receptor type 2; plus strand). Cytogenetic location: 2q33.2.
Variant type: single nucleotide variant.
Coding change: c.964G>A on transcript NM_001204.7 (MANE Select); coding-DNA position 964, G replaced by A.
Protein change: p.Gly322Arg; replaces glycine 322 with arginine.
Molecular consequence: missense variant.
Genome position (GRCh38, 1-based): chr2:202,520,198, G>A. VCF-style: chr2-202520198-G-A. GRCh37 (hg19) VCF-style: chr2-203384921-G-A.
Other names: short protein forms G322R.
Identifiers: ClinVar variation 3992200 (VCV003992200.1).